The following is an entry in ClinVar:

NM_001113491.2(SEPTIN9):c.1639A>G (p.Asn547Asp)

Gene: SEPTIN9 (septin 9; plus strand). Cytogenetic location: 17q25.3.
Variant type: single nucleotide variant.
Coding change: c.1639A>G on transcript NM_001113491.2 (MANE Select); coding-DNA position 1639, A replaced by G.
Protein change: p.Asn547Asp; replaces asparagine 547 with aspartic acid.
Molecular consequence: missense variant.
Genome position (GRCh38, 1-based): chr17:77,498,536, A>G. VCF-style: chr17-77498536-A-G. GRCh37 (hg19) VCF-style: chr17-75494618-A-G.
Other names: c.1147A>G, p.Asn383Asp (NM_001113492.2, NM_001113494.1); c.1618A>G, p.Asn540Asp (NM_001113493.2); c.886A>G, p.Asn296Asp (NM_001113495.2, NM_001113496.2, NM_001293697.2 and 1 more transcripts); c.1582A>G, p.Asn528Asp (NM_001293695.2); c.967A>G, p.Asn323Asp (NM_001293696.2); c.1585A>G, p.Asn529Asp (NM_006640.5); short protein forms N296D, N323D, N383D, N528D, N529D, N540D, N547D.
Identifiers: ClinVar variation 4085888 (VCV004085888.8).

ClinVar aggregate classification (germline): Uncertain significance (1 of 4 stars; one submission).

Submission:

CeGaT Center for Human Genetics Tuebingen
Classification: Uncertain significance. Last evaluated: 2025-08-01. Review status: criteria provided, single submitter. Criteria: CeGaT Center For Human Genetics Tuebingen Variant Classification Criteria Version 2. Collection method: clinical testing. Allele origin: germline. Affected: yes. Observed: 1 variant allele.
Comment: SEPTIN9: PM2